The following is an entry in ClinVar:

NM_001378454.1(ALMS1):c.113A>C (p.Asp38Ala)

Gene: ALMS1 (ALMS1 centrosome and basal body associated protein; plus strand). Cytogenetic location: 2p13.1.
Variant type: single nucleotide variant.
Coding change: c.113A>C on transcript NM_001378454.1 (MANE Select); coding-DNA position 113, A replaced by C.
Protein change: p.Asp38Ala; replaces aspartic acid 38 with alanine.
Molecular consequence: missense variant.
Genome position (GRCh38, 1-based): chr2:73,385,981, A>C. VCF-style: chr2-73385981-A-C. GRCh37 (hg19) VCF-style: chr2-73613109-A-C.
Other names: c.116A>C, p.Asp39Ala (NM_015120.4); short protein forms D38A, D39A.
Identifiers: ClinVar variation 4977280 (VCV004977280.1).

ClinVar aggregate classification (germline): Uncertain significance (1 of 4 stars; one submission).

Conditions:
ALMS1-related disorder. Also called: ALMS1-related condition.

Submission:

PreventionGenetics, part of Exact Sciences
Classification: Uncertain significance for ALMS1-related condition. Last evaluated: 2025-11-14. Review status: criteria provided, single submitter. Criteria: ACMG Guidelines, 2015. Collection method: clinical testing. Allele origin: germline.
Comment: The ALMS1 c.116A>C variant is predicted to result in the amino acid substitution p.Asp39Ala. To our knowledge, this variant has not been reported in the literature or in a large population database (gnomAD), indicating this variant is rare. At this time, the clinical significance of this variant is uncertain due to the absence of conclusive functional and genetic evidence.